The following is an entry in ClinVar:

NM_006922.4(SCN3A):c.3773A>G (p.Lys1258Arg)

Gene: SCN3A (sodium voltage-gated channel alpha subunit 3; minus strand). Cytogenetic location: 2q24.3.
Variant type: single nucleotide variant.
Coding change: c.3773A>G on transcript NM_006922.4 (MANE Select); coding-DNA position 3773, A replaced by G.
Protein change: p.Lys1258Arg; replaces lysine 1258 with arginine.
Molecular consequence: missense variant.
Genome position (GRCh38, 1-based): chr2:165,112,955, T>C on the plus strand (A>G on the coding strand, the complement: SCN3A is on the minus strand). VCF-style: chr2-165112955-T-C. GRCh37 (hg19) VCF-style: chr2-165969465-T-C.
Other names: c.3626A>G, p.Lys1209Arg (NM_001081676.2, NM_001081677.2); short protein forms K1209R, K1258R.
Identifiers: ClinVar variation 1719566 (VCV001719566.5), dbSNP rs2468149655, ClinGen allele CA349032397.
Genomic context (GRCh38, chr2:165,112,955, plus strand): 5'-AAGAAATCTAGCCAGCACCAGGCATTAGTGAAATATGTTTGAAATCCATAAGCAACCCAT[T>C]TGAGAAGCATTTCCAGAATGAATATATAGGTAAAGACTTTGTCAGCATATTCTAGCATGG-3'
Protein context (NP_008853.3, residues 1248-1268): TYIFILEMLL[Lys1258Arg]WVAYGFQTYF

ClinVar aggregate classification (germline): Uncertain significance (1 of 4 stars; one submission).

Submission:

Labcorp Genetics (formerly Invitae), Labcorp
Classification: Uncertain significance. Last evaluated: 2023-07-07. Review status: criteria provided, single submitter. Criteria: Invitae Variant Classification Sherloc (09022015). Collection method: clinical testing. Allele origin: germline.
Comment: This sequence change replaces lysine, which is basic and polar, with arginine, which is basic and polar, at codon 1258 of the SCN3A protein (p.Lys1258Arg). This variant is not present in population databases (gnomAD no frequency). This variant has not been reported in the literature in individuals affected with SCN3A-related conditions. ClinVar contains an entry for this variant (Variation ID: 1719566). Advanced modeling of protein sequence and biophysical properties (such as structural, functional, and spatial information, amino acid conservation, physicochemical variation, residue mobility, and thermodynamic stability) performed at Invitae indicates that this missense variant is expected to disrupt SCN3A protein function. In summary, the available evidence is currently insufficient to determine the role of this variant in disease. Therefore, it has been classified as a Variant of Uncertain Significance.